The following is an entry in ClinVar:

NM_000465.4(BARD1):c.1315-20C>T

Gene: BARD1 (BRCA1 associated RING domain 1; minus strand). Cytogenetic location: 2q35.
Variant type: single nucleotide variant.
Coding change: c.1315-20C>T on transcript NM_000465.4 (MANE Select); 20 bases into the intron before coding-DNA position 1315, C replaced by T.
Molecular consequence: intron variant.
Genome position (GRCh38, 1-based): chr2:214,769,332, G>A on the plus strand (C>T on the coding strand, the complement: BARD1 is on the minus strand). VCF-style: chr2-214769332-G-A. GRCh37 (hg19) VCF-style: chr2-215634056-G-A.
Other names: c.1315-20C>T (LRG_297t1); c.159-16777C>T (NM_001282548.2); c.1258-20C>T (NM_001282543.2); c.216-16777C>T (NM_001282545.2); c.364+22965C>T (NM_001282549.2).
Identifiers: ClinVar variation 510757 (VCV000510757.10), dbSNP rs778052469, ClinGen allele CA2090293.

ClinVar aggregate classification (germline): Likely benign. Review status: criteria provided, multiple submitters, no conflicts (2 of 4 stars). 3 submissions from 3 submitters: Likely benign (3). Last evaluated 2025-05-05.

Conditions:
Familial cancer of breast. Also called: hereditary breast carcinoma; BREAST CANCER, FAMILIAL; Hereditary breast cancer. Identifiers: Orphanet 227535, MedGen C0346153, MONDO:0016419, OMIM 114480. Disease mechanism: loss of function.

Allele frequency attached by ClinVar (database versions not stated): TOPMed below 0.00001; gnomAD 0.00001; gnomAD exomes 0.00003; ExAC 0.00005.
gnomAD v4.1: 38 of 1,580,310 alleles (0.0024%); highest among the groups gnomAD compares: South Asian, 0.029%; 1 homozygote.

Submissions (3):

Labcorp Genetics (formerly Invitae), Labcorp
Classification: Likely benign for Familial cancer of breast. Last evaluated: 2025-05-05. Review status: criteria provided, single submitter. Criteria: Invitae Variant Classification Sherloc (09022015). Collection method: clinical testing. Allele origin: germline.

Myriad Genetics, Inc.
Classification: Likely benign for Familial cancer of breast. Last evaluated: 2024-07-24. Review status: criteria provided, single submitter. Criteria: Myriad Autosomal Dominant, Autosomal Recessive and X-Linked Classification Criteria (2023). Collection method: clinical testing. Allele origin: unknown.
Comment: This variant is considered likely benign. This variant is intronic and is not expected to impact mRNA splicing.

GeneDx
Classification: Likely benign. Last evaluated: 2017-07-10. Review status: criteria provided, single submitter. Criteria: GeneDx Variant Classification (06012015). Collection method: clinical testing. Allele origin: germline. Affected: yes.
Comment: This variant is considered likely benign or benign based on one or more of the following criteria: it is a conservative change, it occurs at a poorly conserved position in the protein, it is predicted to be benign by multiple in silico algorithms, and/or has population frequency not consistent with disease.